The following is an entry in ClinVar:

GRCh38/hg38 19q13.12-13.2(chr19:37319377-42738688)x3

Genes: RPS16 (ribosomal protein S16; minus strand), RPS19 (ribosomal protein S19; plus strand), RPS19-CD79A (RPS19-CD79A readthrough; plus strand), RYR1 (ryanodine receptor 1; plus strand), SAMD4B (sterile alpha motif domain containing 4B; plus strand) and 512 more. Cytogenetic location: 19q13.12-13.2.
Variant type: copy number gain.
Change: copy number 3 (three copies instead of two) of chr19:37,319,377-42,738,688 (5.42 Mb, GRCh38 coordinates, 1-based), cytogenetic band 19q13.12-13.2.
Identifiers: ClinVar variation 57043 (VCV000057043.1).

ClinVar aggregate classification (germline): Pathogenic (1 of 4 stars; one submission).

Submission:

ISCA site 4
Classification: Pathogenic. Last evaluated: 2011-08-12. Review status: criteria provided, single submitter. Criteria: Kaminsky et al. (Genet Med. 2011). Collection method: clinical testing. Allele origin: de novo. Affected: yes. Observed: 1 variant allele.
Comment: Copy number variation identified through the course of routine clinical cytogenomic testing in postnatal populations. Clinical assertions have been curated as described in Kaminsky et al. 2011.